The following is an entry in ClinVar:

ClinVar aggregate classification (germline): Uncertain significance (1 of 4 stars; one submission).

Conditions:
Epidermodysplasia verruciformis. Identifiers: Orphanet 302, MedGen C0014522, MONDO:0009176.

gnomAD v4.1: 2 of 1,611,288 alleles (0.00012%); highest among the groups gnomAD compares: South Asian, 0.0022%; 1 homozygote.

Submission:

Labcorp Genetics (formerly Invitae), Labcorp
Classification: Uncertain significance for Epidermodysplasia verruciformis. Last evaluated: 2022-06-13. Review status: criteria provided, single submitter. Criteria: Invitae Variant Classification Sherloc (09022015). Collection method: clinical testing. Allele origin: germline.
Comment: This sequence change replaces alanine with proline at codon 445 of the TMC6 protein (p.Ala445Pro). The alanine residue is weakly conserved and there is a small physicochemical difference between alanine and proline. This variant is not present in population databases (gnomAD no frequency). This variant has not been reported in the literature in individuals affected with TMC6-related conditions. Algorithms developed to predict the effect of missense changes on protein structure and function are either unavailable or do not agree on the potential impact of this missense change (SIFT: "Not Available"; PolyPhen-2: "Benign"; Align-GVGD: "Not Available"). In summary, the available evidence is currently insufficient to determine the role of this variant in disease. Therefore, it has been classified as a Variant of Uncertain Significance.

NM_001127198.5(TMC6):c.1333G>C (p.Ala445Pro)

Gene: TMC6 (transmembrane channel like 6; minus strand). Cytogenetic location: 17q25.3.
Variant type: single nucleotide variant.
Coding change: c.1333G>C on transcript NM_001127198.5 (MANE Select); coding-DNA position 1333, G replaced by C.
Protein change: p.Ala445Pro; replaces alanine 445 with proline.
Molecular consequence: missense variant. On other transcripts: non-coding transcript variant (4).
Genome position (GRCh38, 1-based): chr17:78,121,606, C>G on the plus strand (G>C on the coding strand, the complement: TMC6 is on the minus strand). VCF-style: chr17-78121606-C-G. GRCh37 (hg19) VCF-style: chr17-76117687-C-G.
Other names: c.1333G>C, p.Ala445Pro (NM_001321185.1, NM_001374593.1, NM_001374594.1 and 4 more transcripts); short protein forms A445P.
Identifiers: ClinVar variation 1476264 (VCV001476264.6), dbSNP rs750556964, ClinGen allele CA401229757.